The following is an entry in ClinVar:

ClinVar aggregate classification (germline): Conflicting classifications of pathogenicity. Review status: criteria provided, conflicting classifications (1 of 4 stars). 2 submissions from 2 submitters: Uncertain significance (1); Likely benign (1). Last evaluated 2026-01-08.

Conditions:
Hereditary cancer-predisposing syndrome. Also called: Tumor predisposition; Hereditary Cancer Syndrome; Neoplastic Syndromes, Hereditary; Hereditary neoplastic syndrome. Identifiers: Orphanet 140162, MedGen C0027672, MeSH D009386, MONDO:0015356.

Allele frequency attached by ClinVar (database versions not stated): gnomAD exomes below 0.00001; TOPMed 0.00001.
gnomAD v4.1: 3 of 1,604,548 alleles (0.00019%); highest among the groups gnomAD compares: Non-Finnish European, 0.00026%; no homozygotes.

Submissions (2):

Ambry Genetics
Classification: Uncertain significance for Hereditary cancer-predisposing syndrome. Last evaluated: 2026-01-08. Review status: criteria provided, single submitter. Criteria: Ambry Variant Classification Scheme 2023. Collection method: clinical testing. Allele origin: germline.
Comment: The c.910-4C>G intronic variant results from a C to G substitution 4 nucleotides upstream from coding exon 10 in the POLE gene. This nucleotide position is not well conserved in available vertebrate species. In silico splice site analysis for this alteration is inconclusive. Based on the available evidence, the clinical significance of this variant remains unclear.

Labcorp Genetics (formerly Invitae), Labcorp
Classification: Likely benign. Last evaluated: 2024-08-27. Review status: criteria provided, single submitter. Criteria: Invitae Variant Classification Sherloc (09022015). Collection method: clinical testing. Allele origin: germline.

NM_006231.4(POLE):c.910-4C>G

Gene: POLE (DNA polymerase epsilon, catalytic subunit; minus strand). Cytogenetic location: 12q24.33.
Variant type: single nucleotide variant.
Coding change: c.910-4C>G on transcript NM_006231.4 (MANE Select); 4 bases into the intron before coding-DNA position 910, C replaced by G.
Molecular consequence: intron variant.
Genome position (GRCh38, 1-based): chr12:132,676,208, G>C on the plus strand (C>G on the coding strand, the complement: POLE is on the minus strand). VCF-style: chr12-132676208-G-C. GRCh37 (hg19) VCF-style: chr12-133252794-G-C.
Identifiers: ClinVar variation 484465 (VCV000484465.14), dbSNP rs1555229332, ClinGen allele CA658658224.
Genomic context (GRCh38, chr12:132,676,208, plus strand): 5'-GAACTCAAAATCTTCAATATCTTCTGAAACAATCTCCCTGTTGGTGATGAGGTAGCCCTA[G>C]CCAAGTTCATTAGCAATCAGCACAAGTCAGAGGCTGCAAAGCCAAGAAATGGCGTTCCCA-3'